The following is an entry in ClinVar:

ClinVar aggregate classification (germline): Conflicting classifications of pathogenicity. Review status: criteria provided, conflicting classifications (1 of 4 stars). 5 submissions from 5 submitters: Uncertain significance (2); Likely benign (1). 2 of the submissions do not count toward it. Last evaluated 2025-05-29.

Conditions:
Hereditary cancer-predisposing syndrome. Also called: Tumor predisposition; Hereditary neoplastic syndrome; Neoplastic Syndromes, Hereditary; Hereditary Cancer Syndrome. Identifiers: Orphanet 140162, MedGen C0027672, MeSH D009386, MONDO:0015356.
Bloom syndrome (BLM). Also called: Bloom-Torre-Machacek syndrome. Identifiers: Orphanet 125, MedGen C0005859, MONDO:0008876, OMIM 210900.

gnomAD v4.1: 12 of 1,614,160 alleles (0.00074%); highest among the groups gnomAD compares: South Asian, 0.0099%; no homozygotes.

Submissions (5):

Labcorp Genetics (formerly Invitae), Labcorp
Classification: Uncertain significance for Bloom syndrome. Last evaluated: 2025-05-29. Review status: criteria provided, single submitter. Criteria: Invitae Variant Classification Sherloc (09022015). Collection method: clinical testing. Allele origin: germline.
Comment: This sequence change replaces serine, which is neutral and polar, with proline, which is neutral and non-polar, at codon 1368 of the BLM protein (p.Ser1368Pro). This variant is present in population databases (rs587778104, gnomAD 0.02%). This variant has not been reported in the literature in individuals affected with BLM-related conditions. ClinVar contains an entry for this variant (Variation ID: 133705). Invitae Evidence Modeling of protein sequence and biophysical properties (such as structural, functional, and spatial information, amino acid conservation, physicochemical variation, residue mobility, and thermodynamic stability) indicates that this missense variant is not expected to disrupt BLM protein function with a negative predictive value of 80%. In summary, the available evidence is currently insufficient to determine the role of this variant in disease. Therefore, it has been classified as a Variant of Uncertain Significance.

Ambry Genetics
Classification: Likely benign for Hereditary cancer-predisposing syndrome. Last evaluated: 2024-01-29. Review status: criteria provided, single submitter. Criteria: Ambry Variant Classification Scheme 2023. Collection method: clinical testing. Allele origin: germline.

Fulgent Genetics
Classification: Uncertain significance for Bloom syndrome. Last evaluated: 2024-01-17. Review status: criteria provided, single submitter. Criteria: ACMG Guidelines, 2015. Collection method: clinical testing. Allele origin: germline.

Natera, Inc.
Classification: Uncertain significance for Bloom syndrome. Last evaluated: 2020-07-13. Review status: no assertion criteria provided. Collection method: clinical testing. Allele origin: germline. Not counted in ClinVar's aggregate classification.

ITMI
No classification provided. Condition: AllHighlyPenetrant. Last evaluated: 2013-09-19. Review status: no classification provided. Collection method: reference population. Allele origin: germline. Not counted in ClinVar's aggregate classification.
Comment: Please see associated publication for description of ethnicities

Literature cited by the submitters: PubMed 24728327 (cited by ITMI).

NM_000057.4(BLM):c.4102T>C (p.Ser1368Pro)

Gene: BLM (BLM RecQ like helicase; plus strand). Cytogenetic location: 15q26.1.
Variant type: single nucleotide variant.
Coding change: c.4102T>C on transcript NM_000057.4 (MANE Select); coding-DNA position 4102, T replaced by C.
Protein change: p.Ser1368Pro; replaces serine 1368 with proline.
Molecular consequence: missense variant.
Genome position (GRCh38, 1-based): chr15:90,815,127, T>C. VCF-style: chr15-90815127-T-C. GRCh37 (hg19) VCF-style: chr15-91358357-T-C.
Other names: c.3709T>C, p.Ser1237Pro (NM_001287247.2); c.2977T>C, p.Ser993Pro (NM_001287248.2); c.4102T>C, p.Ser1368Pro (NM_001287246.2); c.4102T>C (NM_000057.2); short protein forms S1368P, S1237P, S993P.
Identifiers: ClinVar variation 133705 (VCV000133705.14), dbSNP rs587778104, ClinGen allele CA157406.